The following is an entry in ClinVar:

ClinVar aggregate classification (germline): Uncertain significance (1 of 4 stars; one submission).

Conditions:
Hereditary spastic paraplegia 28. Also called: Spastic paraplegia 28, autosomal recessive. Identifiers: Orphanet 101008, MedGen C1836295, MONDO:0012256, OMIM 609340.

gnomAD v4.1: 2 of 1,613,230 alleles (0.00012%); highest among the groups gnomAD compares: Non-Finnish European, 0.000085%; no homozygotes.

Submission:

Labcorp Genetics (formerly Invitae), Labcorp
Classification: Uncertain significance for Spastic paraplegia 28, autosomal recessive. Last evaluated: 2018-11-01. Review status: criteria provided, single submitter. Criteria: Invitae Variant Classification Sherloc (09022015). Collection method: clinical testing. Allele origin: germline.
Comment: This sequence change replaces histidine with arginine at codon 214 of the DDHD1 protein (p.His214Arg). The histidine residue is weakly conserved and there is a small physicochemical difference between histidine and arginine. This variant is not present in population databases (ExAC no frequency). This variant has not been reported in the literature in individuals with DDHD1-related disease. Algorithms developed to predict the effect of missense changes on protein structure and function output the following: SIFT: "Tolerated"; PolyPhen-2: "Benign"; Align-GVGD: "Class C0". The arginine amino acid residue is found in multiple mammalian species, suggesting that this missense change does not adversely affect protein function. These predictions have not been confirmed by published functional studies and their clinical significance is uncertain. Algorithms developed to predict the effect of sequence changes on RNA splicing suggest that this variant may create or strengthen a splice site, but this prediction has not been confirmed by published transcriptional studies. In summary, the available evidence is currently insufficient to determine the role of this variant in disease. Therefore, it has been classified as a Variant of Uncertain Significance.

NM_001160148.2(DDHD1):c.641A>G (p.His214Arg)

Gene: DDHD1 (DDHD domain containing 1; minus strand). Cytogenetic location: 14q22.1.
Variant type: single nucleotide variant.
Coding change: c.641A>G on transcript NM_001160148.2 (MANE Select); coding-DNA position 641, A replaced by G.
Protein change: p.His214Arg; replaces histidine 214 with arginine.
Molecular consequence: missense variant.
Genome position (GRCh38, 1-based): chr14:53,152,458, T>C on the plus strand (A>G on the coding strand, the complement: DDHD1 is on the minus strand). VCF-style: chr14-53152458-T-C. GRCh37 (hg19) VCF-style: chr14-53619176-T-C.
Other names: c.641A>G, p.His214Arg (NM_001160147.2, NM_030637.3); short protein forms H214R.
Identifiers: ClinVar variation 665069 (VCV000665069.1), dbSNP rs1595286866, ClinGen allele CA389780313.